The following is an entry in ClinVar:

ClinVar aggregate classification (germline): Likely benign (1 of 4 stars; one submission).

Allele frequency attached by ClinVar (database versions not stated): gnomAD 0.00001.
gnomAD v4.1: 3 of 1,549,140 alleles (0.00019%); highest among the groups gnomAD compares: East Asian, 0.0024%; no homozygotes.

Submission:

CeGaT Center for Human Genetics Tuebingen
Classification: Likely benign. Last evaluated: 2024-04-01. Review status: criteria provided, single submitter. Criteria: CeGaT Center For Human Genetics Tuebingen Variant Classification Criteria Version 2. Collection method: clinical testing. Allele origin: germline. Affected: yes. Observed: 1 variant allele.
Comment: WDR81: BP4, BP7

NM_001163809.2(WDR81):c.483G>A (p.Pro161=)

Gene: WDR81 (WD repeat domain 81; plus strand). Cytogenetic location: 17p13.3.
Variant type: single nucleotide variant.
Coding change: c.483G>A on transcript NM_001163809.2 (MANE Select); coding-DNA position 483, G replaced by A.
Protein change: p.Pro161=; no amino-acid change (proline 161 retained).
Molecular consequence: synonymous variant. On other transcripts: intron variant (3).
Genome position (GRCh38, 1-based): chr17:1,725,442, G>A. VCF-style: chr17-1725442-G-A. GRCh37 (hg19) VCF-style: chr17-1628736-G-A.
Other names: c.-123-2548G>A (NM_152348.4); c.59-4938G>A (NM_001163673.2); c.-15+656G>A (NM_001163811.2).
Identifiers: ClinVar variation 3234578 (VCV003234578.20), dbSNP rs1478627160, ClinGen allele CA497392225.